The following is an entry in ClinVar:

NM_014845.6(FIG4):c.2234C>G (p.Ala745Gly)

Gene: FIG4 (FIG4 phosphoinositide 5-phosphatase; plus strand). Cytogenetic location: 6q21.
Variant type: single nucleotide variant.
Coding change: c.2234C>G on transcript NM_014845.6 (MANE Select); coding-DNA position 2234, C replaced by G.
Protein change: p.Ala745Gly; replaces alanine 745 with glycine.
Molecular consequence: missense variant.
Genome position (GRCh38, 1-based): chr6:109,791,429, C>G. VCF-style: chr6-109791429-C-G. GRCh37 (hg19) VCF-style: chr6-110112632-C-G.
Other names: short protein forms A745G.
Identifiers: ClinVar variation 1788161 (VCV001788161.2), dbSNP rs1778132161, ClinGen allele CA365216110.

ClinVar aggregate classification (germline): Uncertain significance (1 of 4 stars; one submission).

Conditions:
Inborn genetic diseases. Identifiers: MedGen C0950123, MeSH D030342.

Allele frequency attached by ClinVar (database versions not stated): gnomAD 0.00001.
gnomAD v4.1: 1 of 1,613,542 alleles (0.000062%); highest among the groups gnomAD compares: African/African-American, 0.0013%; no homozygotes.

Submission:

Ambry Genetics
Classification: Uncertain significance for Inborn genetic diseases. Last evaluated: 2022-06-02. Review status: criteria provided, single submitter. Criteria: Ambry Variant Classification Scheme 2023. Collection method: clinical testing. Allele origin: germline.
Comment: The p.A745G variant (also known as c.2234C>G), located in coding exon 20 of the FIG4 gene, results from a C to G substitution at nucleotide position 2234. The alanine at codon 745 is replaced by glycine, an amino acid with similar properties. This amino acid position is conserved. In addition, the in silico prediction for this alteration is inconclusive. Since supporting evidence is limited at this time, the clinical significance of this alteration remains unclear.